The following is an entry in ClinVar:

NM_020998.4(MST1):c.1474C>T (p.Arg492Trp)

Gene: MST1 (macrophage stimulating 1; minus strand). Cytogenetic location: 3p21.31.
Variant type: single nucleotide variant.
Coding change: c.1474C>T on transcript NM_020998.4 (MANE Select); coding-DNA position 1474, C replaced by T.
Protein change: p.Arg492Trp; replaces arginine 492 with tryptophan.
Molecular consequence: missense variant. On other transcripts: synonymous variant (2), non-coding transcript variant (1).
Genome position (GRCh38, 1-based): chr3:49,685,332, G>A on the plus strand (C>T on the coding strand, the complement: MST1 is on the minus strand). VCF-style: chr3-49685332-G-A. GRCh37 (hg19) VCF-style: chr3-49722765-G-A.
Other names: c.1474C>T (NM_020998.3); c.1470C>T, p.Ser490= (NM_001393581.1); c.1474C>T, p.Arg492Trp (NM_001393582.1); c.1344C>T, p.Ser448= (NM_001393583.1); c.1339C>T, p.Arg447Trp (NM_001393584.1); c.1174C>T, p.Arg392Trp (NM_001393585.1); short protein forms R392W, R447W, R492W.
Identifiers: ClinVar variation 2653842 (VCV002653842.25), dbSNP rs149255516, ClinGen allele CA2402649.
Genomic context (GRCh38, chr3:49,685,332, plus strand): 5'-AGCTGACTGTCCAGGGTGAGTTGCCCGGATGGCCCCCAACCACGCGCAGCTTGGAACGCC[G>A]CTGATCCAGCCGATCCACCCTCTTGCCACACTTCTCAAACTGCACCTGGTCTGTAGGATG-3'
Protein context (NP_066278.3, residues 482-502): CGKRVDRLDQ[Arg492Trp]RSKLRVVGGH

ClinVar aggregate classification (germline): Conflicting classifications of pathogenicity. Review status: criteria provided, conflicting classifications (1 of 4 stars). 2 submissions from 2 submitters: Uncertain significance (1); Likely benign (1). Last evaluated 2025-08-20.

Allele frequency attached by ClinVar (database versions not stated): gnomAD exomes 0.00008; ExAC 0.00018; gnomAD 0.00021; TOPMed 0.00021; ESP Exome Variant Server 0.00046; 1000 Genomes Project 30x 0.00047; 1000 Genomes Project 0.00060.

Submissions (2):

Ambry Genetics
Classification: Uncertain significance. Last evaluated: 2025-08-20. Review status: criteria provided, single submitter. Criteria: Ambry Variant Classification Scheme 2023. Collection method: clinical testing. Allele origin: germline.

CeGaT Center for Human Genetics Tuebingen
Classification: Likely benign. Last evaluated: 2022-03-01. Review status: criteria provided, single submitter. Criteria: CeGaT Center For Human Genetics Tuebingen Variant Classification Criteria Version 2. Collection method: clinical testing. Allele origin: germline. Affected: yes. Observed: 1 variant allele.
Comment: MST1: BP4